The following is an entry in ClinVar:

NM_012210.4(TRIM32):c.1472G>T (p.Gly491Val)

Genes: ASTN2 (astrotactin 2; minus strand), TRIM32 (tripartite motif containing 32; plus strand). Cytogenetic location: 9q33.1.
Variant type: single nucleotide variant.
Coding change: c.1472G>T on transcript NM_012210.4 (MANE Select); coding-DNA position 1472, G replaced by T.
Protein change: p.Gly491Val; replaces glycine 491 with valine.
Molecular consequence: missense variant. On other transcripts: intron variant (3).
Genome position (GRCh38, 1-based): chr9:116,699,214, G>T. VCF-style: chr9-116699214-G-T. GRCh37 (hg19) VCF-style: chr9-119461493-G-T.
Other names: c.1472G>T, p.Gly491Val (NM_001099679.2, NM_001379048.1, NM_001379049.1 and 1 more transcripts); c.2653+26557C>A (NM_014010.5); c.2794+26557C>A (NM_001365069.1); c.2806+26557C>A (NM_001365068.1); short protein forms G491V.
Identifiers: ClinVar variation 2499778 (VCV002499778.1), dbSNP rs376113966, ClinGen allele CA374651759.

ClinVar aggregate classification (germline): Uncertain significance (1 of 4 stars; one submission).

Submission:

GeneDx
Classification: Uncertain significance. Last evaluated: 2022-10-24. Review status: criteria provided, single submitter. Criteria: GeneDx Variant Classification Process June 2021. Collection method: clinical testing. Allele origin: germline. Affected: yes.
Comment: Not observed at significant frequency in large population cohorts (gnomAD); In silico analysis supports that this missense variant has a deleterious effect on protein structure/function; Has not been previously published as pathogenic or benign to our knowledge